The following is an entry in ClinVar:

ClinVar aggregate classification (germline): Uncertain significance (1 of 4 stars; one submission).

Allele frequency attached by ClinVar (database versions not stated): gnomAD exomes below 0.00001; ExAC 0.00001; TOPMed 0.00001.
gnomAD v4.1: 1 of 1,614,212 alleles (0.000062%); highest among the groups gnomAD compares: African/African-American, 0.0013%; no homozygotes.

Submission:

Labcorp Genetics (formerly Invitae), Labcorp
Classification: Uncertain significance. Last evaluated: 2024-11-18. Review status: criteria provided, single submitter. Criteria: Invitae Variant Classification Sherloc (09022015). Collection method: clinical testing. Allele origin: germline.
Comment: This sequence change replaces leucine, which is neutral and non-polar, with valine, which is neutral and non-polar, at codon 266 of the RIPK1 protein (p.Leu266Val). This variant is present in population databases (rs746472345, gnomAD 0.007%). This variant has not been reported in the literature in individuals affected with RIPK1-related conditions. ClinVar contains an entry for this variant (Variation ID: 2881991). An algorithm developed to predict the effect of missense changes on protein structure and function (PolyPhen-2) suggests that this variant is likely to be tolerated. In summary, the available evidence is currently insufficient to determine the role of this variant in disease. Therefore, it has been classified as a Variant of Uncertain Significance.

NM_001354930.2(RIPK1):c.796C>G (p.Leu266Val)

Gene: RIPK1 (receptor interacting serine/threonine kinase 1; plus strand). Cytogenetic location: 6p25.2.
Variant type: single nucleotide variant.
Coding change: c.796C>G on transcript NM_001354930.2 (MANE Select); coding-DNA position 796, C replaced by G.
Protein change: p.Leu266Val; replaces leucine 266 with valine.
Molecular consequence: missense variant.
Genome position (GRCh38, 1-based): chr6:3,085,366, C>G. VCF-style: chr6-3085366-C-G. GRCh37 (hg19) VCF-style: chr6-3085600-C-G.
Other names: c.307C>G, p.Leu103Val (NM_001354934.2, NM_001354932.2, NM_001354933.2 and 1 more transcripts); c.796C>G, p.Leu266Val (NM_003804.6); c.658C>G, p.Leu220Val (NM_001354931.2); short protein forms L103V, L220V, L266V.
Identifiers: ClinVar variation 2881991 (VCV002881991.3), dbSNP rs746472345, ClinGen allele CA3618288.